The following is an entry in ClinVar:

ClinVar aggregate classification (germline): Uncertain significance (1 of 4 stars; one submission).

Conditions:
Dilated cardiomyopathy 1O (CMD1O). Also called: CARDIOMYOPATHY, DILATED, WITH VENTRICULAR TACHYCARDIA. Identifiers: Orphanet 154, MedGen C1837839, MONDO:0012062, OMIM 608569.

Submission:

Labcorp Genetics (formerly Invitae), Labcorp
Classification: Uncertain significance for Dilated cardiomyopathy 1O. Last evaluated: 2023-05-22. Review status: criteria provided, single submitter. Criteria: Invitae Variant Classification Sherloc (09022015). Collection method: clinical testing. Allele origin: germline.
Comment: This sequence change replaces asparagine, which is neutral and polar, with lysine, which is basic and polar, at codon 198 of the ABCC9 protein (p.Asn198Lys). This variant is not present in population databases (gnomAD no frequency). This variant has not been reported in the literature in individuals affected with ABCC9-related conditions. Advanced modeling of protein sequence and biophysical properties (such as structural, functional, and spatial information, amino acid conservation, physicochemical variation, residue mobility, and thermodynamic stability) performed at Invitae indicates that this missense variant is not expected to disrupt ABCC9 protein function. Algorithms developed to predict the effect of sequence changes on RNA splicing suggest that this variant may disrupt the consensus splice site. In summary, the available evidence is currently insufficient to determine the role of this variant in disease. Therefore, it has been classified as a Variant of Uncertain Significance.

NM_020297.4(ABCC9):c.594T>A (p.Asn198Lys)

Gene: ABCC9 (ATP binding cassette subfamily C member 9; minus strand). Cytogenetic location: 12p12.1.
Variant type: single nucleotide variant.
Coding change: c.594T>A on transcript NM_020297.4 (MANE Select); coding-DNA position 594, T replaced by A.
Protein change: p.Asn198Lys; replaces asparagine 198 with lysine.
Molecular consequence: missense variant. On other transcripts: intron variant (1).
Genome position (GRCh38, 1-based): chr12:21,915,890, A>T on the plus strand (T>A on the coding strand, the complement: ABCC9 is on the minus strand). VCF-style: chr12-21915890-A-T. GRCh37 (hg19) VCF-style: chr12-22068824-A-T.
Other names: c.594T>A, p.Asn198Lys (NM_001377273.1, NM_005691.4); c.-48-2824T>A (NM_001377274.1); short protein forms N198K.
Identifiers: ClinVar variation 2866879 (VCV002866879.3), dbSNP rs1948582854, ClinGen allele CA384124913.